The following is an entry in ClinVar:

NM_001134831.2(AHI1):c.1900dup (p.Tyr634fs)

Gene: AHI1 (Abelson helper integration site 1; minus strand). Cytogenetic location: 6q23.3.
Variant type: Duplication.
Coding change: c.1900dup on transcript NM_001134831.2 (MANE Select); coding-DNA position 1900, one base duplicated (T; older notation c.1900dupT).
Protein change: p.Tyr634fs; shifts the reading frame from tyrosine 634.
Molecular consequence: frameshift variant.
Genome position (GRCh38, 1-based): chr6:135,442,594, A duplicated on the plus strand (T on the coding strand, the reverse complement: AHI1 is on the minus strand). VCF-style (leftmost placement, unchanged base first): chr6-135442593-T-TA. GRCh37 (hg19) VCF-style: chr6-135763731-T-TA.
Other names: c.1900dup, p.Tyr634fs (NM_001134830.2, NM_001134832.2, NM_001350503.2 and 2 more transcripts); short protein forms Y634fs.
Identifiers: ClinVar variation 1074384 (VCV001074384.8), dbSNP rs2128046176, ClinGen allele CA2499218109.

ClinVar aggregate classification (germline): Pathogenic. Review status: criteria provided, multiple submitters, no conflicts (2 of 4 stars). 2 submissions from 2 submitters: Pathogenic (2). Last evaluated 2026-03-28.

Conditions:
Joubert syndrome. Also called: JOUBERT-BOLTSHAUSER SYNDROME; Familial aplasia of the vermis. Identifiers: Orphanet 475, MedGen C5979921, MONDO:0018772.
Joubert syndrome 3 (JBTS3). Also called: AHI1-related Ciliopathy. Identifiers: Orphanet 220493, MedGen C1837713, MONDO:0012078, OMIM 608629.

Submissions (2):

Myriad Genetics, Inc.
Classification: Pathogenic for Joubert syndrome 3. Last evaluated: 2026-03-28. Review status: criteria provided, single submitter. Criteria: Myriad Autosomal Dominant, Autosomal Recessive and X-Linked Classification Criteria (2023). Collection method: clinical testing. Allele origin: unknown.
Comment: NM_001134831.1(AHI1):c.1900dupT(Y634Lfs*7) is expected to be pathogenic in the context of Joubert syndrome, AHI1-related. This variant is predicted to lead to an abnormal or absent protein product due to the creation of a premature termination codon in AHI1, a gene where loss-of-function variants are known to be pathogenic. Please note: this variant was assessed in the context of healthy population screening.

Labcorp Genetics (formerly Invitae), Labcorp
Classification: Pathogenic for Joubert syndrome. Last evaluated: 2023-11-03. Review status: criteria provided, single submitter. Criteria: Invitae Variant Classification Sherloc (09022015). Collection method: clinical testing. Allele origin: germline.
Comment: This sequence change creates a premature translational stop signal (p.Tyr634Leufs*7) in the AHI1 gene. It is expected to result in an absent or disrupted protein product. Loss-of-function variants in AHI1 are known to be pathogenic (PMID: 15322546, 16453322, 28442542, 29186038). This variant is not present in population databases (gnomAD no frequency). This variant has not been reported in the literature in individuals affected with AHI1-related conditions. ClinVar contains an entry for this variant (Variation ID: 1074384). For these reasons, this variant has been classified as Pathogenic.

Literature cited by the submitters: PubMed 15322546 (cited by Labcorp Genetics (formerly Invitae), Labcorp); PubMed 16453322 (cited by Labcorp Genetics (formerly Invitae), Labcorp); PubMed 28442542 (cited by Labcorp Genetics (formerly Invitae), Labcorp); PubMed 29186038 (cited by Labcorp Genetics (formerly Invitae), Labcorp).